The following is an entry in ClinVar:

ClinVar aggregate classification (germline): Pathogenic. Review status: criteria provided, multiple submitters, no conflicts (2 of 4 stars). 11 submissions from 11 submitters: Pathogenic (8). 3 of the submissions do not count toward it. Last evaluated 2026-01-30.
ClinVar aggregate classification (oncogenicity): Oncogenic (1 of 4 stars; one submission).

Conditions:
APC-Associated Polyposis Disorders.
Hereditary cancer-predisposing syndrome. Also called: Hereditary neoplastic syndrome; Neoplastic Syndromes, Hereditary; Hereditary Cancer Syndrome; Tumor predisposition. Identifiers: Orphanet 140162, MedGen C0027672, MeSH D009386, MONDO:0015356.
Familial adenomatous polyposis 1 (FAP1). Also called: POLYPOSIS, ADENOMATOUS INTESTINAL; FAMILIAL ADENOMATOUS POLYPOSIS 1, ATTENUATED. Identifiers: MedGen C2713442, MONDO:0021056, OMIM 175100. Disease mechanism: loss of function.
Familial multiple polyposis syndrome (FAP). Also called: Familial adenomatous polyposis; Familial intestinal polyposis; Classic familial adenomatous polyposis; Familial Adenomatous Polyposis (FAP); Familial polyposis. Identifiers: Orphanet 733, MedGen C0032580, MONDO:0021055. Disease mechanism: loss of function.
Neoplasm. Also called: tumor; Neoplasms; Neoplasm (disease). Identifiers: MedGen C0027651, MeSH D009369, MONDO:0005070, HP:0002664.

Submissions (12):

Dasa
Classification: Pathogenic. Last evaluated: 2026-01-30. Review status: criteria provided, single submitter. Criteria: DASA Assertion Criteria. Collection method: clinical testing. Allele origin: germline.
Comment: NM_000038.6(APC):c.4348C>T (p.Arg1450Ter) introduces a premature termination codon predicted to result in loss of normal protein function. Loss-of-function is an established mechanism of disease for this gene. This variant has been recurrently observed in individuals with related phenotype (PMID: 23873622; PMID: 24518971; PMID: 23906606; PMID: 33613165). Based on the available data, this variant is classified as pathogenic.

Center for Genomic Medicine, Rigshospitalet, Copenhagen University Hospital
Classification: Pathogenic. Last evaluated: 2025-12-29. Review status: criteria provided, single submitter. Criteria: ACMG Guidelines, 2015. Collection method: clinical testing. Allele origin: germline.

Labcorp Genetics (formerly Invitae), Labcorp
Classification: Pathogenic for Familial adenomatous polyposis 1. Last evaluated: 2025-07-14. Review status: criteria provided, single submitter. Criteria: Invitae Variant Classification Sherloc (09022015). Collection method: clinical testing. Allele origin: germline.
Comment: This sequence change creates a premature translational stop signal (p.Arg1450*) in the APC gene. While this is not anticipated to result in nonsense mediated decay, it is expected to disrupt the last 1394 amino acid(s) of the APC protein. This variant is not present in population databases (gnomAD no frequency). This premature translational stop signal has been observed in individual(s) with familial adenomatous polyposis (FAP), non-FAP colorectal cancer, and multiple adenomas (PMID: 8103406, 8730280, 8990002, 9950360, 20223039, 20924072, 21110124). ClinVar contains an entry for this variant (Variation ID: 194585). This variant is expected to disrupt the EB1 and HDLG binding sites, which mediate interactions with the cytoskeleton (PMID: 15311282, 17293347). While functional studies have not been performed to directly test the effect on APC protein function, this suggests that disruption of the C-terminal portion of the protein is functionally important. A different truncation (p.Tyr2645Lysfs*14) that lies downstream of this variant has been determined to be pathogenic (PMID: 9824584, 1316610, 27081525, 8381579, 22135120, internal data). This suggests that deletion of this region of the APC protein is causative of disease. For these reasons, this variant has been classified as Pathogenic.

Center for Genomic Medicine, Rigshospitalet, Copenhagen University Hospital
Classification: Oncogenic for Neoplasm. Last evaluated: 2025-03-04. Review status: criteria provided, single submitter. Criteria: ClinGen/CGC/VICC Guidelines for Oncogenicity, 2022. Collection method: clinical testing. Allele origin: somatic. Affected: yes.

Myriad Genetics, Inc.
Classification: Pathogenic for Familial adenomatous polyposis 1. Last evaluated: 2023-05-10. Review status: criteria provided, single submitter. Criteria: Myriad Autosomal Dominant, Autosomal Recessive and X-Linked Classification Criteria (2023). Collection method: clinical testing. Allele origin: unknown.
Comment: This variant is considered pathogenic. This variant creates a termination codon and is predicted to result in premature protein truncation.

GeneDx
Classification: Pathogenic. Last evaluated: 2023-04-20. Review status: criteria provided, single submitter. Criteria: GeneDx Variant Classification Process June 2021. Collection method: clinical testing. Allele origin: germline. Affected: yes.
Comment: Nonsense variant predicted to result in protein truncation in a gene for which loss-of-function is a known mechanism of disease; Not observed at significant frequency in large population cohorts (gnomAD); This variant is associated with the following publications: (PMID: 34454113, 30577807, 27197217, 8103406, 12378616, 8187091, 17653897, 24005794, 26613750, 17135276, 9950360, 23561487, 23873622, 29367705, 8730280, 22305464, 28222664, 32754865, 28915719, 29368261, 33294277, 35189564, 18199528)

Ambry Genetics
Classification: Pathogenic for Hereditary cancer-predisposing syndrome. Last evaluated: 2022-03-29. Review status: criteria provided, single submitter. Criteria: Ambry Variant Classification Scheme 2023. Collection method: clinical testing. Allele origin: germline.
Comment: The p.R1450* pathogenic mutation (also known as c.4348C>T), located in coding exon 15 of the APC gene, results from a C to T substitution at nucleotide position 4348. This changes the amino acid from an arginine to a stop codon within coding exon 15. This alteration occurs at the 3' terminus of theAPC gene, is not expected to trigger nonsense-mediated mRNA decay, and impacts the last 1394 amino acids of the protein. However, premature stop codons are typically deleterious in nature, the impacted region is critical for protein function, and a significant portion of the protein is affected (Ambry internal data). This mutation has been reported in numerous familial adenomatous polyposis (FAP) families from various ethnic backgrounds (Mori T et al. Hum. Mutat. 1993;2(3):240-3; Friedl W, Aretz S et al. Hered Cancer Clin Pract. 2005;3(3):95-114; Rivera B et al. Ann Oncol. 2010 Apr;22(4):903-9; Torrezan GT et al. Orphanet J Rare Dis 2013;8:54; Papp J et al. Fam. Cancer 2015 Oct; Han SH et al. Fam. Cancer, 2011 Mar;10:21-6). This variant is considered to be rare based on population cohorts in the Genome Aggregation Database (gnomAD). Based on the supporting evidence, this alteration is interpreted as a disease-causing mutation.

Center for Human Genetics, Inc
Classification: Pathogenic for Familial multiple polyposis syndrome. Last evaluated: 2016-11-01. Review status: criteria provided, single submitter. Criteria: ACMG Guidelines, 2015. Collection method: clinical testing. Allele origin: germline. Affected: yes.

Eurofins Ntd Llc (ga)
Classification: Pathogenic. Last evaluated: 2014-06-05. Review status: criteria provided, single submitter. Criteria: EGL Classification Definitions 2015. Collection method: clinical testing. Allele origin: germline. Observed: 2 variant alleles, 2 heterozygotes.

Yale Center for Mendelian Genomics, Yale University
Classification: Pathogenic for Familial adenomatous polyposis 1. Last evaluated: 2015-11-27. Review status: no assertion criteria provided. Collection method: literature only. Allele origin: somatic. Affected: yes. Observed: 1 heterozygote. Not counted in ClinVar's aggregate classification.

Clinical Genetics DNA and cytogenetics Diagnostics Lab, Erasmus MC, Erasmus Medical Center
Classification: Pathogenic. Review status: no assertion criteria provided. Collection method: clinical testing. Allele origin: germline. Affected: yes. Study: VKGL Data-share Consensus. Not counted in ClinVar's aggregate classification.

Joint Genome Diagnostic Labs from Nijmegen and Maastricht, Radboudumc and MUMC+
Classification: Pathogenic. Review status: no assertion criteria provided. Collection method: clinical testing. Allele origin: germline. Affected: yes. Study: VKGL Data-share Consensus. Not counted in ClinVar's aggregate classification.

Literature cited by the submitters: PubMed 23873622 (cited by Dasa); PubMed 24518971 (cited by Dasa); PubMed 23906606 (cited by Dasa); PubMed 33613165 (cited by Dasa); PubMed 35189564 (cited by Center for Genomic Medicine, Rigshospitalet, Copenhagen University Hospital); PubMed 29368261 (cited by Center for Genomic Medicine, Rigshospitalet, Copenhagen University Hospital and Ambry Genetics); PubMed 8103406 (cited by 4 submitters); PubMed 8730280 (cited by Labcorp Genetics (formerly Invitae), Labcorp); PubMed 8990002 (cited by Labcorp Genetics (formerly Invitae), Labcorp); PubMed 9950360 (cited by Labcorp Genetics (formerly Invitae), Labcorp); PubMed 20223039 (cited by 3 submitters); PubMed 20924072 (cited by 3 submitters); PubMed 21110124 (cited by Labcorp Genetics (formerly Invitae), Labcorp and Ambry Genetics); PubMed 15311282 (cited by Labcorp Genetics (formerly Invitae), Labcorp); PubMed 17293347 (cited by Labcorp Genetics (formerly Invitae), Labcorp); PubMed 9824584 (cited by Labcorp Genetics (formerly Invitae), Labcorp); PubMed 1316610 (cited by Labcorp Genetics (formerly Invitae), Labcorp); PubMed 27081525 (cited by Labcorp Genetics (formerly Invitae), Labcorp); PubMed 8381579 (cited by Labcorp Genetics (formerly Invitae), Labcorp); PubMed 22135120 (cited by Labcorp Genetics (formerly Invitae), Labcorp); PubMed 18199528 (cited by Center for Genomic Medicine, Rigshospitalet, Copenhagen University Hospital); PubMed 23561487 (cited by Center for Genomic Medicine, Rigshospitalet, Copenhagen University Hospital and Ambry Genetics); PubMed 19036155 (cited by Ambry Genetics); PubMed 26446593 (cited by Ambry Genetics); PubMed 26613750 (cited by Yale Center for Mendelian Genomics, Yale University).

NM_000038.6(APC):c.4348C>T (p.Arg1450Ter)

Gene: APC (APC regulator of Wnt signaling pathway; plus strand). Cytogenetic location: 5q22.2.
Variant type: single nucleotide variant.
Coding change: c.4348C>T on transcript NM_000038.6 (MANE Select); coding-DNA position 4348, C replaced by T.
Protein change: p.Arg1450Ter; replaces arginine 1450 with a stop codon.
Molecular consequence: nonsense.
Genome position (GRCh38, 1-based): chr5:112,839,942, C>T. VCF-style: chr5-112839942-C-T. GRCh37 (hg19) VCF-style: chr5-112175639-C-T.
Other names: c.4348C>T, p.Arg1450Ter (NM_001127510.3, NM_001354895.2); c.4294C>T, p.Arg1432Ter (NM_001127511.3); c.4402C>T, p.Arg1468Ter (NM_001354896.2); c.4378C>T, p.Arg1460Ter (NM_001354897.2); c.4273C>T, p.Arg1425Ter (NM_001354898.2); c.4264C>T, p.Arg1422Ter (NM_001354899.2); c.4225C>T, p.Arg1409Ter (NM_001354900.2); c.4171C>T, p.Arg1391Ter (NM_001354901.2); and 5 more; short protein forms R1432*, R1450*, R1167*, R1290*, R1422*, R1425*, R1349*, R1359*.
Identifiers: ClinVar variation 194585 (VCV000194585.29), dbSNP rs121913332, ClinGen allele CA009465.